The following is an entry in ClinVar:

NM_001783.4(CD79A):c.523G>A (p.Gly175Arg)

Genes: CD79A (CD79a molecule; plus strand), RPS19-CD79A (RPS19-CD79A readthrough; plus strand). Cytogenetic location: 19q13.2.
Variant type: single nucleotide variant.
Coding change: c.523G>A on transcript NM_001783.4 (MANE Select); coding-DNA position 523, G replaced by A.
Protein change: p.Gly175Arg; replaces glycine 175 with arginine.
Molecular consequence: missense variant.
Genome position (GRCh38, 1-based): chr19:41,880,694, G>A. VCF-style: chr19-41880694-G-A. GRCh37 (hg19) VCF-style: chr19-42384761-G-A.
Other names: c.409G>A, p.Gly137Arg (NM_021601.4); short protein forms G137R, G175R.
Identifiers: ClinVar variation 1059609 (VCV001059609.9), dbSNP rs1016097078, ClinGen allele CA406037219.
Genomic context (GRCh38, chr19:41,880,694, plus strand): 5'-TGCTCACTGAGGCACCCACCCCACCCACCCCTACAGAAACGATGGCAGAACGAGAAGCTC[G>A]GGTTGGATGCCGGGGATGAATATGAAGATGAAAACCTTTATGAAGTGAGTGAAGGGTGGG-3'
Protein context (NP_001774.1, residues 165-185): FRKRWQNEKL[Gly175Arg]LDAGDEYEDE

ClinVar aggregate classification (germline): Uncertain significance (1 of 4 stars; one submission).

Conditions:
Agammaglobulinemia 3, autosomal recessive (AGM3). Also called: AGAMMAGLOBULINEMIA 3; AGAMMAGLOBULINEMIA, AUTOSOMAL RECESSIVE, DUE TO CD79A DEFECT. Identifiers: MedGen C3150751, MONDO:0013288, OMIM 613501.

Submission:

Labcorp Genetics (formerly Invitae), Labcorp
Classification: Uncertain significance for Agammaglobulinemia 3, autosomal recessive. Last evaluated: 2020-04-14. Review status: criteria provided, single submitter. Criteria: Invitae Variant Classification Sherloc (09022015). Collection method: clinical testing. Allele origin: germline.
Comment: In summary, the available evidence is currently insufficient to determine the role of this variant in disease. Therefore, it has been classified as a Variant of Uncertain Significance. Algorithms developed to predict the effect of missense changes on protein structure and function output the following: SIFT: "Deleterious"; PolyPhen-2: "Benign"; Align-GVGD: "Class C15". The arginine amino acid residue is found in multiple mammalian species, suggesting that this missense change does not adversely affect protein function. These predictions have not been confirmed by published functional studies and their clinical significance is uncertain. This variant has not been reported in the literature in individuals with CD79A-related conditions. This variant is not present in population databases (ExAC no frequency). This sequence change replaces glycine with arginine at codon 175 of the CD79A protein (p.Gly175Arg). The glycine residue is moderately conserved and there is a moderate physicochemical difference between glycine and arginine.